The following is an entry in ClinVar:

ClinVar aggregate classification (germline): Pathogenic. Review status: criteria provided, multiple submitters, no conflicts (2 of 4 stars). 2 submissions from 2 submitters: Pathogenic (2). Last evaluated 2023-08-28.

Conditions:
Duchenne muscular dystrophy (DMD). Also called: Duchenne Muscular Dystrophy (DMD); MUSCULAR DYSTROPHY, PSEUDOHYPERTROPHIC PROGRESSIVE, DUCHENNE TYPE. Identifiers: Orphanet 98896, MedGen C0013264, MONDO:0010679, OMIM 310200.

Submissions (2):

Labcorp Genetics (formerly Invitae), Labcorp
Classification: Pathogenic for Duchenne muscular dystrophy. Last evaluated: 2023-08-28. Review status: criteria provided, single submitter. Criteria: Invitae Variant Classification Sherloc (09022015). Collection method: clinical testing. Allele origin: germline.
Comment: For these reasons, this variant has been classified as Pathogenic. ClinVar contains an entry for this variant (Variation ID: 290564). This premature translational stop signal has been observed in individual(s) with clinical features of DMD-related conditions (PMID: 19937601, 30833962, 31081998, 31727011). This variant is not present in population databases (gnomAD no frequency). This sequence change creates a premature translational stop signal (p.Lys2268Asnfs*2) in the DMD gene. It is expected to result in an absent or disrupted protein product. Loss-of-function variants in DMD are known to be pathogenic (PMID: 16770791, 25007885).

Eurofins Ntd Llc (ga)
Classification: Pathogenic. Last evaluated: 2016-09-01. Review status: criteria provided, single submitter. Criteria: EGL Classification Definitions 2015. Collection method: clinical testing. Allele origin: germline. Observed: 1 variant allele, 1 hemizygote.

Literature cited by the submitters: PubMed 19937601 (cited by Labcorp Genetics (formerly Invitae), Labcorp and Eurofins Ntd Llc (ga)); PubMed 30833962 (cited by Labcorp Genetics (formerly Invitae), Labcorp); PubMed 31081998 (cited by Labcorp Genetics (formerly Invitae), Labcorp); PubMed 31727011 (cited by Labcorp Genetics (formerly Invitae), Labcorp); PubMed 16770791 (cited by Labcorp Genetics (formerly Invitae), Labcorp); PubMed 25007885 (cited by Labcorp Genetics (formerly Invitae), Labcorp).

NM_004006.3(DMD):c.6804_6807del (p.Lys2268fs)

Gene: DMD (dystrophin; minus strand). Cytogenetic location: Xp21.1.
Variant type: Deletion.
Coding change: c.6804_6807del on transcript NM_004006.3 (MANE Select); coding-DNA positions 6804 to 6807, 4 bases deleted (ACAA; older notation c.6804_6807delACAA).
Protein change: p.Lys2268fs; shifts the reading frame from lysine 2268.
Molecular consequence: frameshift variant. On other transcripts: 5 prime UTR variant (5).
Genome position (GRCh38, 1-based): chrX:31,929,701-31,929,704, TTGT deleted on the plus strand (ACAA on the coding strand, the reverse complement: DMD is on the minus strand); deleting any 4 consecutive bases within chrX:31,929,701-31,929,707 gives the same sequence; the c. name uses the placement nearest the transcript's 3' end. VCF-style (leftmost placement, unchanged base first): chrX-31929700-ATTGT-A. GRCh37 (hg19) VCF-style: chrX-31947817-ATTGT-A.
Other names: c.6780_6783del, p.Lys2260fs (NM_000109.4); c.6792_6795del, p.Lys2264fs (NM_004009.3); c.6435_6438del, p.Lys2145fs (NM_004010.3); c.2781_2784del, p.Lys927fs (NM_004011.4); c.2772_2775del, p.Lys924fs (NM_004012.4); c.-577_-574del (NM_004013.3, NM_004020.4, NM_004021.3 and 2 more transcripts); short protein forms K2268fs, K2145fs, K2264fs, K924fs, K2260fs, K927fs.
Identifiers: ClinVar variation 290564 (VCV000290564.8), dbSNP rs886044490, ClinGen allele CA10606823.